The following continues an entry in ClinVar:

NM_206933.4(USH2A):c.5776+1G>A

ClinVar aggregate classification (germline): Pathogenic. Pathogenic (21).

Submissions 17 to 24 of 24:

Department of Otolaryngology – Head & Neck Surgery, Cochlear Implant Center
Classification: Pathogenic for Usher syndrome. Last evaluated: 2021-04-12. Review status: criteria provided, single submitter. Criteria: ClinGen HL ACMG Specifications v1. Collection method: clinical testing. Allele origin: germline. Affected: yes.
Comment: PVS1_Strong, PS1_Strong, PM2_Moderate, PM3_Supporting

Broad Center for Mendelian Genomics, Broad Institute of MIT and Harvard
Classification: Pathogenic for Retinitis pigmentosa. Last evaluated: 2021-04-01. Review status: criteria provided, single submitter. Criteria: ACMG Guidelines, 2015. Collection method: curation. Allele origin: germline. Inheritance: Autosomal recessive inheritance. Affected: yes.
Comment: Through a review of available evidence we were able to apply the following criteria: PVS1, PM2, PM3, PP3. Based on this evidence we have classified this variant as Pathogenic. If you have any questions about the classification please reach out to the Pierce Lab.

Centre for Genomic Medicine, Manchester, Central Manchester University Hospitals
Classification: Pathogenic for Usher syndrome type 2A. Last evaluated: 2019-02-01. Review status: criteria provided, single submitter. Criteria: ACMG Guidelines, 2015. Collection method: clinical testing. Allele origin: germline. Affected: yes. Observed: 2 variant alleles, 1 compound heterozygote, 1 homozygote.

Laboratory for Molecular Medicine, Mass General Brigham Personalized Medicine
Classification: Pathogenic for Rare genetic deafness. Last evaluated: 2015-04-02. Review status: criteria provided, single submitter. Criteria: LMM Criteria. Collection method: clinical testing. Allele origin: germline. Inheritance: Autosomal recessive inheritance. Observed: 2 variant alleles.
Comment: The c.5776+1G>A variant in USH2A has been previously reported in 12 individuals: 9 with Usher syndrome and 2 with retinitis pigmentosa (Baux 2014, Dreyer 2008, Glockle 2014, Jaijo 2010, Lenarduzzi 2015, Lenassi 2015, Sandberg 2008, Sodi 201 4, Wang 2014). Ten of these individuals were either compound heterozygous or hom ozygous for the variant. This variant has not been reported in large population studies. The c.5776+1G>A variant occurs in the invariant region (+/- 1/2) of the splice consensus sequence and is predicted to cause altered splicing leading to an abnormal or absent protein. Furthermore, analysis of mRNA extracted from a c arrier of the c.5776+1G>A variant showed in-frame skipping of exon 28 (Lenassi 2 015), confirming a splicing impact. In summary, this variant meets our criteria to be classified as pathogenic for Usher syndrome in an autosomal recessive mann er based upon its identification in the homozygous or compound heterozygous state in multiple affected individuals a nd the reported impact on splicing.

Genetics Research Center, University of Social Welfare and Rehabilitation Sciences
Classification: Pathogenic for Usher syndrome type 2A. Review status: criteria provided, single submitter. Criteria: ACMG Guidelines, 2015. Collection method: research. Allele origin: germline. Affected: yes.
Comment: The variant is present in the gnomAD v2.1.1 dataset at a very low allele frequency (0.0012%) and has been previously reported in individual(s) affected with USH2A-related hearing loss (PMID:25375654, 18273898, 25558175, 28944237, 30459346, 32176120, 20507924, 10909849, 18641288, 19683999, 32037395, 10729113, 29490346, 31456290, 34906470, 25575603, 33576794, 34426522, 32552793, 23591405, 31589614, 29074561, 26355662, 25097241, 25525159). Additionally, mRNA analysis from an individual carrying the c.5776+1G>A variant demonstrated in-frame skipping of exon 28 (PMID:25649381), thereby confirming its effect on splicing.

Sharon lab, Hadassah-Hebrew University Medical Center
Classification: Pathogenic for Usher syndrome type 2. Last evaluated: 2019-06-23. Review status: no assertion criteria provided. Collection method: research. Allele origin: inherited. Affected: yes. Not counted in ClinVar's aggregate classification.

Faculty of Health Sciences, Beirut Arab University
Classification: Pathogenic for Autosomal recessive Retinitis Pigmentosa. Last evaluated: 2015-09-10. Review status: no assertion criteria provided. Collection method: literature only. Allele origin: germline. Affected: yes. Observed: 1 variant allele. Not counted in ClinVar's aggregate classification.

Genomics England Pilot Project, Genomics England
Classification: Likely pathogenic for Retinitis pigmentosa 39. Review status: no assertion criteria provided. Criteria: ACGS Guidelines, 2016. Collection method: clinical testing. Allele origin: germline. Affected: yes. Not counted in ClinVar's aggregate classification.

Literature cited by the submitters: PubMed 16199547 (cited by Labcorp Genetics (formerly Invitae), Labcorp); PubMed 10729113 (cited by Labcorp Genetics (formerly Invitae), Labcorp and Genetics Research Center, University of Social Welfare and Rehabilitation Sciences); PubMed 10909849 (cited by Labcorp Genetics (formerly Invitae), Labcorp and Genetics Research Center, University of Social Welfare and Rehabilitation Sciences); PubMed 20507924 (cited by Labcorp Genetics (formerly Invitae), Labcorp and Genetics Research Center, University of Social Welfare and Rehabilitation Sciences); PubMed 25649381 (cited by 5 submitters); PubMed 25097241 (cited by 6 submitters); PubMed 26355662 (cited by 5 submitters); PubMed 29490346 (cited by 4 submitters); PubMed 19683999 (cited by 5 submitters); PubMed 23591405 (cited by 3 submitters); PubMed 30459346 (cited by Women's Health and Genetics/Laboratory Corporation of America, LabCorp and Genetics Research Center, University of Social Welfare and Rehabilitation Sciences); PubMed 18273898 (cited by 6 submitters); PubMed 31589614 (cited by 3 submitters); PubMed 33576794 (cited by 3 submitters); PubMed 29074561 (cited by 3 submitters); PubMed 34426522 (cited by 3 submitters); PubMed 32552793 (cited by 3 submitters); PubMed 32176120 (cited by 3 submitters); PubMed 31456290 (cited by 3 submitters); PubMed 25525159 (cited by 3 submitters); PubMed 32037395 (cited by 3 submitters); PubMed 31964843 (cited by Institute of Human Genetics, Univ. Regensburg, Univ. Regensburg); PubMed 32531858 (cited by Institute of Human Genetics, Univ. Regensburg, Univ. Regensburg); PubMed 34948090 (cited by Institute of Human Genetics, Univ. Regensburg, Univ. Regensburg); PubMed 33749171 (cited by Institute of Human Genetics, Univ. Regensburg, Univ. Regensburg); PubMed 34758253 (cited by Institute of Human Genetics, Univ. Regensburg, Univ. Regensburg); PubMed 34781295 (cited by Institute of Human Genetics, Univ. Regensburg, Univ. Regensburg); PubMed 35266249 (cited by Institute of Human Genetics, Univ. Regensburg, Univ. Regensburg); PubMed 25575603 (cited by 4 submitters); PubMed 34906470 (cited by Broad Center for Mendelian Genomics, Broad Institute of MIT and Harvard and Genetics Research Center, University of Social Welfare and Rehabilitation Sciences); PubMed 25558175 (cited by 3 submitters); PubMed 18641288 (cited by 3 submitters); PubMed 24944099 (cited by Laboratory for Molecular Medicine, Mass General Brigham Personalized Medicine); PubMed 25375654 (cited by Genetics Research Center, University of Social Welfare and Rehabilitation Sciences); PubMed 28944237 (cited by Genetics Research Center, University of Social Welfare and Rehabilitation Sciences).